The following is an entry in ClinVar:

ClinVar aggregate classification (germline): Pathogenic (1 of 4 stars; one submission).
ClinVar aggregate classification (somatic clinical impact): Tier I - Strong (1 of 4 stars; one submission).

Conditions:
Gastrointestinal stromal tumor. Also called: Gastrointestinal stromal tumor, somatic; Gastrointestinal stroma tumor. Identifiers: Orphanet 44890, MedGen C0238198, MeSH D046152, MONDO:0011719, OMIM 606764, HP:0100723.
Germinoma. Also called: Germinoma (disease). Identifiers: MedGen C0206660, MONDO:0002598, HP:0100620.

Submissions (2):

Institute for Genomic Medicine (IGM) Clinical Laboratory, Nationwide Children's Hospital
Classification: Tier I - Strong for Germinoma. Assertion type: diagnostic. Clinical significance: supports diagnosis. Last evaluated: 2023-11-10. Review status: criteria provided, single submitter. Criteria: AMP/ASCO/CAP Guidelines, 2017. Collection method: clinical testing. Allele origin: somatic. Affected: yes.
Comment: Variant has Tier I (strong) clinical significance as a diagnostic inclusion criterion in germinoma, based on the following evidence: 1) Appears in one or more well-established professional guidelines (e.g., World Health Organization [WHO]; National Comprehensive Cancer Network [NCCN]) as providing diagnostic, prognostic, or therapeutic information. 2) Diagnostic for a specific tumor type/classification based on well-powered studies with expert-level consensus (Evidence Level B; PMIDs: 32721511, 26956871, 29898407, 34553465, 30896089, 34117242, 33739378).

Labcorp Genetics (formerly Invitae), Labcorp
Classification: Pathogenic for Gastrointestinal stromal tumor. Last evaluated: 2018-09-24. Review status: criteria provided, single submitter. Criteria: Invitae Variant Classification Sherloc (09022015). Collection method: clinical testing. Allele origin: germline.
Comment: This sequence change replaces lysine with isoleucine at codon 509 of the KIT protein (p.Lys509Ile). The lysine residue is highly conserved and there is a moderate physicochemical difference between lysine and isoleucine. This variant is not present in population databases (ExAC no frequency). This variant has been observed to be de novo in several individuals affected with mastocytosis (PMID: 25139846, 24582309, 23610110). One of these individuals was also affected with gastrointestinal stromal tumor (GIST) (PMID: 23610110). It has been observed to segregate with disease in at least two families (PMID: 16183119, 25139846). Experimental studies have shown that this missense change increases mast cell progenitor expansion and shows ligand-independent cell survival in vitro (PMID: 24582309). In some studies, patient-derived cells carrying this variant respond to the kinase inhibitor treatment in vitro (PMID: 16183119, 25139846, 29439183). For these reasons, this variant has been classified as Pathogenic.

Literature cited by the submitters: PubMed 32721511 (cited by Institute for Genomic Medicine (IGM) Clinical Laboratory, Nationwide Children's Hospital); PubMed 26956871 (cited by Institute for Genomic Medicine (IGM) Clinical Laboratory, Nationwide Children's Hospital); PubMed 29898407 (cited by Institute for Genomic Medicine (IGM) Clinical Laboratory, Nationwide Children's Hospital); PubMed 34553465 (cited by Institute for Genomic Medicine (IGM) Clinical Laboratory, Nationwide Children's Hospital); PubMed 30896089 (cited by Institute for Genomic Medicine (IGM) Clinical Laboratory, Nationwide Children's Hospital); PubMed 34117242 (cited by Institute for Genomic Medicine (IGM) Clinical Laboratory, Nationwide Children's Hospital); PubMed 33739378 (cited by Institute for Genomic Medicine (IGM) Clinical Laboratory, Nationwide Children's Hospital); PubMed 25139846 (cited by Labcorp Genetics (formerly Invitae), Labcorp); PubMed 24582309 (cited by Labcorp Genetics (formerly Invitae), Labcorp); PubMed 23610110 (cited by Labcorp Genetics (formerly Invitae), Labcorp); PubMed 16183119 (cited by Labcorp Genetics (formerly Invitae), Labcorp); PubMed 29439183 (cited by Labcorp Genetics (formerly Invitae), Labcorp).

NM_000222.3(KIT):c.1526A>T (p.Lys509Ile)

Gene: KIT (KIT proto-oncogene, receptor tyrosine kinase; plus strand). Cytogenetic location: 4q12.
Variant type: single nucleotide variant.
Coding change: c.1526A>T on transcript NM_000222.3 (MANE Select); coding-DNA position 1526, A replaced by T.
Protein change: p.Lys509Ile; replaces lysine 509 with isoleucine.
Molecular consequence: missense variant.
Genome position (GRCh38, 1-based): chr4:54,726,036, A>T. VCF-style: chr4-54726036-A-T. GRCh37 (hg19) VCF-style: chr4-55592202-A-T.
Other names: c.1526A>T, p.Lys509Ile (NM_001093772.2, NM_001385285.1, NM_001385286.1); c.1529A>T, p.Lys510Ile (NM_001385284.1, NM_001385288.1, NM_001385290.1 and 1 more transcripts); short protein forms K509I, K510I.
Identifiers: ClinVar variation 651292 (VCV000651292.10), dbSNP rs1577992594, ClinGen allele CA356906700.
Genomic context (GRCh38, chr4:54,726,036, plus strand): 5'-TTGAATGTAAGGCTTACAACGATGTGGGCAAGACTTCTGCCTATTTTAACTTTGCATTTA[A>T]AGGTAACAACAAAGGTATATTTCTTTTTAATCCAATTTAAGGGGATGTTTAGGCTCTGTC-3'
Protein context (NP_000213.1, residues 499-519): KTSAYFNFAF[Lys509Ile]GNNKEQIHPH